The following is an entry in ClinVar:

NM_007055.4(POLR3A):c.259G>A (p.Asp87Asn)

Genes: POLR3A (RNA polymerase III subunit A; minus strand), LOC126860971 (CDK7 strongly-dependent group 2 enhancer GRCh37_chr10:79784551-79785750; plus strand). Cytogenetic location: 10q22.3.
Variant type: single nucleotide variant.
Coding change: c.259G>A on transcript NM_007055.4 (MANE Select); coding-DNA position 259, G replaced by A.
Protein change: p.Asp87Asn; replaces aspartic acid 87 with asparagine.
Molecular consequence: missense variant.
Genome position (GRCh38, 1-based): chr10:78,025,681, C>T on the plus strand (G>A on the coding strand, the complement: POLR3A is on the minus strand). VCF-style: chr10-78025681-C-T. GRCh37 (hg19) VCF-style: chr10-79785439-C-T.
Other names: short protein forms D87N.
Identifiers: ClinVar variation 1449594 (VCV001449594.8), dbSNP rs760584422, ClinGen allele CA5571751.
Genomic context (GRCh38, chr10:78,025,681, plus strand): 5'-CCTGTAAGATGCCTATGACTGCTCTGAAGTACCCTACATGAAAACACGGCAACTCCAGGT[C>T]GATATACCCATAGTGGCCTAGACAGTCAGCCAAGTTTTTCCCACAGGTTTCACATGGACG-3'
Protein context (NP_008986.2, residues 77-97): ADCLGHYGYI[Asp87Asn]LELPCFHVGY

ClinVar aggregate classification (germline): Uncertain significance. Review status: criteria provided, multiple submitters, no conflicts (2 of 4 stars). 2 submissions from 2 submitters: Uncertain significance (2). Last evaluated 2023-09-28.

Allele frequency attached by ClinVar (database versions not stated): ExAC 0.00001; gnomAD 0.00001; gnomAD exomes 0.00001 and 0.00002; TOPMed 0.00001.
gnomAD v4.1: 29 of 1,613,842 alleles (0.0018%); highest among the groups gnomAD compares: Non-Finnish European, 0.0024%; no homozygotes.

Submissions (2):

Blueprint Genetics
Classification: Uncertain significance. Last evaluated: 2023-09-28. Review status: criteria provided, single submitter. Criteria: ACMG Guidelines, 2015. Collection method: clinical testing. Allele origin: germline.

Labcorp Genetics (formerly Invitae), Labcorp
Classification: Uncertain significance. Last evaluated: 2022-10-17. Review status: criteria provided, single submitter. Criteria: Invitae Variant Classification Sherloc (09022015). Collection method: clinical testing. Allele origin: germline.
Comment: This sequence change replaces aspartic acid, which is acidic and polar, with asparagine, which is neutral and polar, at codon 87 of the POLR3A protein (p.Asp87Asn). This variant is present in population databases (rs760584422, gnomAD 0.002%). This variant has not been reported in the literature in individuals affected with POLR3A-related conditions. ClinVar contains an entry for this variant (Variation ID: 1449594). Advanced modeling of protein sequence and biophysical properties (such as structural, functional, and spatial information, amino acid conservation, physicochemical variation, residue mobility, and thermodynamic stability) performed at Invitae indicates that this missense variant is not expected to disrupt POLR3A protein function. In summary, the available evidence is currently insufficient to determine the role of this variant in disease. Therefore, it has been classified as a Variant of Uncertain Significance.